The following continues an entry in ClinVar:

NM_017739.4(POMGNT1):c.932G>A (p.Arg311Gln)

ClinVar aggregate classification (germline): Pathogenic/Likely pathogenic. Pathogenic (2); Likely pathogenic (6).

Submissions 8 to 11 of 11:

Blueprint Genetics
Classification: Likely pathogenic for POMGNT1-related disorders. Last evaluated: 2021-08-12. Review status: criteria provided, single submitter. Criteria: ACMG Guidelines, 2015. Collection method: clinical testing. Allele origin: germline. Affected: yes. Observed: 3 variant alleles.

Counsyl
Classification: Likely pathogenic for Muscular dystrophy-dystroglycanopathy (congenital with brain and eye anomalies), type A3. Last evaluated: 2017-01-31. Review status: no assertion criteria provided. Collection method: clinical testing. Allele origin: unknown. Not counted in ClinVar's aggregate classification.

OMIM
Classification: Pathogenic for MUSCULAR DYSTROPHY-DYSTROGLYCANOPATHY (CONGENITAL WITH BRAIN AND EYE ANOMALIES), TYPE A, 3. Last evaluated: 2006-10-01. Review status: no assertion criteria provided. Collection method: literature only. Allele origin: germline. Not counted in ClinVar's aggregate classification.

Juha Muilu Group; Institute for Molecular Medicine Finland (FIMM)
Classification: Likely pathogenic for Muscle eye brain disease. Review status: no assertion criteria provided. Collection method: not provided. Allele origin: unknown. Not counted in ClinVar's aggregate classification.
Comment: FinDis database variant: This variant was not found or characterized by our laboratory, data were collected from public sources: see reference
ClinVar note: Converted during submission from probable-pathogenic to Likely pathogenic.

Literature cited by the submitters: PubMed 30258371 (cited by Natera, Inc.); PubMed 17030669 (cited by 5 submitters); PubMed 15236414 (cited by 5 submitters); PubMed 21361872 (cited by 4 submitters); PubMed 22323514 (cited by 3 submitters); PubMed 33144682 (cited by Women's Health and Genetics/Laboratory Corporation of America, LabCorp); PubMed 19299310 (cited by Counsyl); PubMed 17559086 (cited by Counsyl); PubMed 27493216 (cited by Counsyl); PubMed 22522420 (cited by Counsyl); PubMed 20215985 (cited by Counsyl); PubMed 16427280 (cited by Counsyl).